The following is an entry in ClinVar:

ClinVar aggregate classification (germline): Uncertain significance (1 of 4 stars; one submission).

Conditions:
Developmental and epileptic encephalopathy, 54. Also called: HNRNPU-Related Neurodevelopmental Disorder; Epileptic encephalopathy, early infantile, 54. Identifiers: MedGen C4479319, MONDO:0033363, OMIM 617391.

gnomAD v4.1: 1 of 1,614,150 alleles (0.000062%); no homozygotes.

Submission:

Labcorp Genetics (formerly Invitae), Labcorp
Classification: Uncertain significance for Developmental and epileptic encephalopathy, 54. Last evaluated: 2023-05-22. Review status: criteria provided, single submitter. Criteria: Invitae Variant Classification Sherloc (09022015). Collection method: clinical testing. Allele origin: germline.
Comment: This sequence change replaces glycine, which is neutral and non-polar, with valine, which is neutral and non-polar, at codon 245 of the HNRNPU protein (p.Gly245Val). In summary, the available evidence is currently insufficient to determine the role of this variant in disease. Therefore, it has been classified as a Variant of Uncertain Significance. An algorithm developed to predict the effect of missense changes on protein structure and function (PolyPhen-2) suggests that this variant is likely to be disruptive. ClinVar contains an entry for this variant (Variation ID: 2033450). This variant has not been reported in the literature in individuals affected with HNRNPU-related conditions. This variant is not present in population databases (gnomAD no frequency).

NM_031844.3(HNRNPU):c.734G>T (p.Gly245Val)

Gene: HNRNPU (heterogeneous nuclear ribonucleoprotein U; minus strand). Cytogenetic location: 1q44.
Variant type: single nucleotide variant.
Coding change: c.734G>T on transcript NM_031844.3 (MANE Select); coding-DNA position 734, G replaced by T.
Protein change: p.Gly245Val; replaces glycine 245 with valine.
Molecular consequence: missense variant.
Genome position (GRCh38, 1-based): chr1:244,862,688, C>A on the plus strand (G>T on the coding strand, the complement: HNRNPU is on the minus strand). VCF-style: chr1-244862688-C-A. GRCh37 (hg19) VCF-style: chr1-245025990-C-A.
Other names: c.677G>T, p.Gly226Val (NM_004501.3); short protein forms G226V, G245V.
Identifiers: ClinVar variation 2033450 (VCV002033450.4), dbSNP rs2527890429, ClinGen allele CA345495416.